The following is an entry in ClinVar:

ClinVar aggregate classification (germline): Uncertain significance (1 of 4 stars; one submission).

Submission:

GeneDx
Classification: Uncertain significance. Last evaluated: 2024-11-15. Review status: criteria provided, single submitter. Criteria: GeneDx Variant Classification Process June 2021. Collection method: clinical testing. Allele origin: germline. Affected: yes.
Comment: Not observed at significant frequency in large population cohorts (gnomAD); In silico analysis supports that this missense variant has a deleterious effect on protein structure/function; Has not been previously published as pathogenic or benign to our knowledge

NM_007118.4(TRIO):c.3968C>A (p.Thr1323Asn)

Gene: TRIO (trio Rho guanine nucleotide exchange factor; plus strand). Cytogenetic location: 5p15.2.
Variant type: single nucleotide variant.
Coding change: c.3968C>A on transcript NM_007118.4 (MANE Select); coding-DNA position 3968, C replaced by A.
Protein change: p.Thr1323Asn; replaces threonine 1323 with asparagine.
Molecular consequence: missense variant. On other transcripts: non-coding transcript variant (1).
Genome position (GRCh38, 1-based): chr5:14,389,308, C>A. VCF-style: chr5-14389308-C-A. GRCh37 (hg19) VCF-style: chr5-14389417-C-A.
Other names: short protein forms T1323N.
Identifiers: ClinVar variation 3899797 (VCV003899797.1).